The following continues an entry in ClinVar:

NM_003000.3(SDHB):c.268C>T (p.Arg90Ter)

Gene: SDHB. ClinVar aggregate classification (germline): Pathogenic. Pathogenic (16).

Submissions 12 to 18 of 18:

Laboratory for Molecular Medicine, Mass General Brigham Personalized Medicine
Classification: Pathogenic for Hereditary pheochromocytoma and paraganglioma. Last evaluated: 2019-03-21. Review status: criteria provided, single submitter. Criteria: LMM Criteria. Collection method: clinical testing. Allele origin: germline. Inheritance: Autosomal dominant inheritance. Observed: 2 variant alleles.
Comment: The p.Arg90X variant in SDHB has previously been identified in at least 12 individuals with SDHB-associated tumors and segregated with disease in 9 affected family members from at least 5 families (Amar 2005, Zu 2011, Srirangalingam 2008, Benn 2006, Hensen 2012, Elston 2017, Gill 2011, Lee 2014, Crona 2014, Burnichon 2009, Benn 2003). It has also been identified in 2/113664 of European chromosomes by gnomAD. This variant has been reported in ClinVar (Variation ID 12778). This nonsense variant leads to a premature termination codon at position 90, which is predicted to lead to a truncated or absent protein. Functional studies support an impact on protein function (Kim 2015, Elston 2017). Heterozygous loss of function of the SDHB gene is an established disease mechanism in patients with hereditary paraganglioma and pheochromocytoma. In summary, this variant meets criteria to be classified as pathogenic for autosomal dominant hereditary paraganglioma and pheochromocytoma. ACMG/AMP Criteria applied: PVS1, PM2, PS4_Moderate, PS3_Supporting.

Fulgent Genetics
Classification: Pathogenic for Pheochromocytoma/paraganglioma syndrome 4; Pheochromocytoma; Carney-Stratakis syndrome. Last evaluated: 2018-10-31. Review status: criteria provided, single submitter. Criteria: ACMG Guidelines, 2015. Collection method: clinical testing. Allele origin: unknown.

UCLA Clinical Genomics Center, UCLA
Classification: Pathogenic for Paragangliomas 4. Last evaluated: 2014-01-21. Review status: criteria provided, single submitter. Criteria: Lee et al. (JAMA. 2014). Collection method: clinical testing. Allele origin: unknown. Inheritance: Autosomal dominant inheritance. Affected: yes. Study: CES.

Juno Genomics, Hangzhou Juno Genomics, Inc
Classification: Pathogenic for Pheochromocytoma/paraganglioma syndrome 4. Review status: criteria provided, single submitter. Criteria: ACMG Guidelines, 2015. Collection method: clinical testing. Allele origin: germline.
Comment: Absent from controls (or at extremely low frequency if recessive) in Genome Aggregation Database.;Null variant in a gene where loss of function (LOF) is a known mechanism of disease.;The prevalence of the variant in affected individuals is significantly increased compared to the prevalence in controls.

Kasturba Medical College, Manipal, Kasturba Medical College, Manipal, Manipal Academy of Higher Education, Manipal, India
Classification: Pathogenic for Pheochromocytoma/paraganglioma syndrome 4. Review status: criteria provided, single submitter. Criteria: ACMG Guidelines, 2015. Collection method: research. Allele origin: germline. Inheritance: Autosomal dominant inheritance. Affected: yes. Observed: 1 heterozygote.
Comment: This variant results in premature stop codon which can either cause the transcript to undergo nonsense-mediated mRNA decay or lead to formation of a truncated protein product.

OMIM
Classification: Pathogenic for PHEOCHROMOCYTOMA/PARAGANGLIOMA SYNDROME 4. Last evaluated: 2001-07-01. Review status: no assertion criteria provided. Collection method: literature only. Allele origin: germline. Not counted in ClinVar's aggregate classification.

Section on Medical Neuroendocrinolgy, National Institutes of Health
Classification: Pathogenic for Hereditary pheochromocytoma and paraganglioma. Review status: no assertion criteria provided. Collection method: research. Allele origin: germline. Affected: yes. Not counted in ClinVar's aggregate classification.

Literature cited by the submitters: PubMed 19454582 (cited by 4 submitters); PubMed 19802898 (cited by Labcorp Genetics (formerly Invitae), Labcorp and Kasturba Medical College, Manipal, Kasturba Medical College, Manipal, Manipal Academy of Higher Education, Manipal, India); PubMed 11404820 (cited by 5 submitters); PubMed 12618761 (cited by Labcorp Genetics (formerly Invitae), Labcorp and Laboratory for Molecular Medicine, Mass General Brigham Personalized Medicine); PubMed 16314641 (cited by Labcorp Genetics (formerly Invitae), Labcorp and Laboratory for Molecular Medicine, Mass General Brigham Personalized Medicine); PubMed 16317055 (cited by 4 submitters); PubMed 18419787 (cited by 3 submitters); PubMed 21348866 (cited by Labcorp Genetics (formerly Invitae), Labcorp and Laboratory for Molecular Medicine, Mass General Brigham Personalized Medicine); PubMed 21934479 (cited by 3 submitters); PubMed 23083876 (cited by 4 submitters); PubMed 24466223 (cited by 3 submitters); PubMed 25326637 (cited by Labcorp Genetics (formerly Invitae), Labcorp and Laboratory for Molecular Medicine, Mass General Brigham Personalized Medicine); PubMed 25972245 (cited by 4 submitters); PubMed 28324028 (cited by 4 submitters); PubMed 27171833 (cited by Ambry Genetics); PubMed 27573198 (cited by Ambry Genetics); PubMed 28374168 (cited by Ambry Genetics and Quest Diagnostics Nichols Institute San Juan Capistrano); PubMed 29386252 (cited by Women's Health and Genetics/Laboratory Corporation of America, LabCorp); PubMed 21909610 (cited by Laboratory for Molecular Medicine, Mass General Brigham Personalized Medicine); PubMed 31666924 (cited by Kasturba Medical College, Manipal, Kasturba Medical College, Manipal, Manipal Academy of Higher Education, Manipal, India); PubMed 9509062 (cited by OMIM).